The following is an entry in ClinVar:

NM_001267550.2(TTN):c.86413_86417delinsATGG (p.Asp28805fs)

Genes: TTN (titin; minus strand), TTN-AS1 (TTN antisense RNA 1; plus strand). Cytogenetic location: 2q31.2.
Variant type: Indel.
Coding change: c.86413_86417delinsATGG on transcript NM_001267550.2 (MANE Select); coding-DNA positions 86413 to 86417, GACTC replaced by ATGG.
Protein change: p.Asp28805fs; shifts the reading frame from aspartic acid 28805.
Molecular consequence: frameshift variant.
Genome position (GRCh38, 1-based): chr2:178,559,715-178,559,719, GAGTC replaced by CCAT on the plus strand (GACTC replaced by ATGG on the coding strand, the reverse complement: TTN is on the minus strand). VCF-style: chr2-178559715-GAGTC-CCAT. GRCh37 (hg19) VCF-style: chr2-179424442-GAGTC-CCAT.
Other names: c.81490_81494delinsATGG, p.Asp27164fs (NM_001256850.1); c.59218_59222delinsATGG, p.Asp19740fs (NM_003319.4); c.78709_78713delinsATGG, p.Asp26237fs (NM_133378.4); c.59593_59597delinsATGG, p.Asp19865fs (NM_133432.3); c.59794_59798delinsATGG, p.Asp19932fs (NM_133437.4); c.59218_59222delGACTCinsATGG (NM_003319.4); short protein forms D19865fs, D19740fs, D26237fs, D19932fs, D27164fs, D28805fs.
Identifiers: ClinVar variation 1750515 (VCV001750515.11), dbSNP rs2469629904, ClinGen allele CA2580064838.

ClinVar aggregate classification (germline): Likely pathogenic. Review status: criteria provided, multiple submitters, no conflicts (2 of 4 stars). 2 submissions from 2 submitters: Likely pathogenic (2). Last evaluated 2025-06-01.

Conditions:
Cardiovascular phenotype. Identifiers: MedGen CN230736.

Submissions (2):

CeGaT Center for Human Genetics Tuebingen
Classification: Likely pathogenic. Last evaluated: 2025-06-01. Review status: criteria provided, single submitter. Criteria: CeGaT Center For Human Genetics Tuebingen Variant Classification Criteria Version 2. Collection method: clinical testing. Allele origin: germline. Affected: yes. Observed: 1 variant allele.
Comment: TTN: PVS1:Strong, PM2

Ambry Genetics
Classification: Likely pathogenic for Cardiovascular phenotype. Last evaluated: 2023-06-26. Review status: criteria provided, single submitter. Criteria: Ambry Variant Classification Scheme 2023. Collection method: clinical testing. Allele origin: germline.
Comment: The c.59218_59222delGACTCinsATGG variant, located in coding exon 153 of the TTN gene, results from the deletion of 5 nucleotides and insertion of 4 nucleotides causing a translational frameshift with a predicted alternate stop codon (p.D19740Mfs*6). This exon is located in the A-band region of the N2-B isoform of the titin protein and is constitutively expressed in TTN transcripts (percent spliced in or PSI 100%). This variant is considered to be rare based on population cohorts in the Genome Aggregation Database (gnomAD). This alteration is expected to result in loss of function by premature protein truncation or nonsense-mediated mRNA decay. While truncating variants in TTN are present in 1-3% of the general population, truncating variants in the A-band are the most common cause of dilated cardiomyopathy (DCM) (Herman DS et al. N. Engl. J. Med., 2012 Feb;366:619-28; Roberts AM et al. Sci Transl Med, 2015 Jan;7:270ra6). TTN truncating variants encoded in constitutive exons (PSI >90%) have been found to be significantly associated with DCM regardless of their position in titin (Schafer S et al. Nat. Genet., 2017 01;49:46-53). As such, this alteration is classified as likely pathogenic.